The following is an entry in ClinVar:

NC_000012.11:g.(?_48249393)_(48251491_?)del

Gene: VDR (vitamin D receptor; minus strand). Cytogenetic location: 12q13.11.
Variant type: Deletion.
Identifiers: ClinVar variation 3244360 (VCV003244360.1).

ClinVar aggregate classification (germline): Pathogenic (1 of 4 stars; one submission).

Submission:

Labcorp Genetics (formerly Invitae), Labcorp
Classification: Pathogenic. Last evaluated: 2023-06-30. Review status: criteria provided, single submitter. Criteria: Invitae Variant Classification Sherloc (09022015). Collection method: clinical testing. Allele origin: unknown.
Comment: For these reasons, this variant has been classified as Pathogenic. This variant has not been reported in the literature in individuals affected with VDR-related conditions. This variant is a gross deletion of the genomic region encompassing exon(s) 6-8 of the VDR gene. This deletion is out-of-frame, and is expected to create a premature termination codon and result in an absent or disrupted protein product. Loss-of-function variants in VDR are known to be pathogenic (PMID: 10204116, 24246681).

Literature cited by the submitters: PubMed 10204116; PubMed 24246681.